The following is an entry in ClinVar:

ClinVar aggregate classification (germline): Pathogenic. Review status: criteria provided, multiple submitters, no conflicts (2 of 4 stars). 7 submissions from 7 submitters: Pathogenic (7). Last evaluated 2025-11-28.

Conditions:
COL2A1-related disorder. Also called: COL2A1-related condition; COL2A1-related disorders.
Autosomal dominant COL2A1-related disorders.

Submissions (7):

Variantyx, Inc.
Classification: Pathogenic for Autosomal dominant COL2A1-related disorders. Last evaluated: 2025-11-28. Review status: criteria provided, single submitter. Criteria: Variantyx Assertion Criteria 2022. Collection method: clinical testing. Allele origin: de novo. Inheritance: Autosomal dominant inheritance. Affected: yes.
Comment: This is a nonsynonymous variant in the COL2A1 gene (OMIM: 120140). Pathogenic variants in this gene have been associated with autosomal dominant COL2A1-related disorders. It has been reported in several unrelated affected individuals (PMID: 10745044, 15895462, 26626311) (PS4) and lies within a known hotspot for pathogenic variants or a well-established critical functional domain of the COL2A1 protein (PMID: 28098982, 19344236) (PM1_Strong). Multiple computational algorithms predict a deleterious effect for this variant (REVEL score: 0.99) (PP3). This variant is absent from control populations (PM2). Based on the current evidence, this variant is classified as pathogenic for autosomal dominant COL2A1-related disorders.

3billion
Classification: Pathogenic for COL2A1-related disorder. Last evaluated: 2025-11-07. Review status: criteria provided, single submitter. Criteria: ACMG Guidelines, 2015. Collection method: clinical testing. Allele origin: germline. Affected: yes.
Comment: The variant is not observed in the gnomAD v4.1.0 dataset. Predicted Consequence/Location: The variant is located in a mutational hot spot and/or well-established functional domain in which established pathogenic variants have been reported (PMID: 26626311). In silico tool predictions suggest damaging effect of the variant on gene or gene product [REVEL: 0.99 (>=0.6, sensitivity 0.68 and specificity 0.92); 3Cnet: 0.98 (> 0.75, sensitivity 0.96 and precision 0.92)]. The same nucleotide change resulting in the same amino acid change has been previously reported as pathogenic/likely pathogenic with strong evidence (ClinVar ID: VCV000439509 /PMID: 10745044 /3billion dataset). The variant has been observed in at least two similarly affected unrelated individuals (PMID: 15895462, 26626311). Therefore, this variant is classified as Pathogenic according to the recommendation of ACMG/AMP guideline.

Labcorp Genetics (formerly Invitae), Labcorp
Classification: Pathogenic. Last evaluated: 2024-10-17. Review status: criteria provided, single submitter. Criteria: Invitae Variant Classification Sherloc (09022015). Collection method: clinical testing. Allele origin: germline.
Comment: This sequence change replaces glycine, which is neutral and non-polar, with serine, which is neutral and polar, at codon 513 of the COL2A1 protein (p.Gly513Ser). This variant is not present in population databases (gnomAD no frequency). This missense change has been observed in individuals with autosomal dominant COL2A1-related skeletal disorders (PMID: 10745044, 15895462, 26626311). This variant is also known as p.Gly313Ser. ClinVar contains an entry for this variant (Variation ID: 439509). Invitae Evidence Modeling of protein sequence and biophysical properties (such as structural, functional, and spatial information, amino acid conservation, physicochemical variation, residue mobility, and thermodynamic stability) indicates that this missense variant is expected to disrupt COL2A1 protein function with a positive predictive value of 95%. This variant disrupts the triple helix domain of COL2A1. Glycine residues within the Gly-Xaa-Yaa repeats of the triple helix domain are required for the structure and stability of fibrillar collagens (PMID: 7695699, 8218237, 19344236). In COL2A1, variants affecting these glycine residues are significantly enriched in individuals with disease (PMID: 9016532, 17078022) compared to the general population (ExAC). For these reasons, this variant has been classified as Pathogenic.

GeneDx
Classification: Pathogenic. Last evaluated: 2023-12-13. Review status: criteria provided, single submitter. Criteria: GeneDx Variant Classification Process June 2021. Collection method: clinical testing. Allele origin: germline. Affected: yes.
Comment: Not observed in large population cohorts (gnomAD); Occurs in the triple helical domain and replaces the Glycine in the canonical Gly-X-Y repeat; missense substitution of a canonical Glycine residue is expected to disrupt normal protein folding and function, and this is an established mechanism of disease.; In silico analysis, which includes protein predictors and evolutionary conservation, supports a deleterious effect; This variant is associated with the following publications: (PMID: 21924244, 27234559, 19072565, 26443184, 10745044, 15895462, 25735649, 28738883)

Blueprint Genetics
Classification: Pathogenic for COL2A1-related disorders. Last evaluated: 2021-08-28. Review status: criteria provided, single submitter. Criteria: ACMG Guidelines, 2015. Collection method: clinical testing. Allele origin: germline. Affected: yes. Observed: 2 variant alleles.

CeGaT Center for Human Genetics Tuebingen
Classification: Pathogenic. Last evaluated: 2017-06-01. Review status: criteria provided, single submitter. Criteria: CeGaT Center For Human Genetics Tuebingen Variant Classification Criteria Version 2. Collection method: clinical testing. Allele origin: germline. Affected: yes. Observed: 1 variant allele.

ARUP Laboratories, Molecular Genetics and Genomics, ARUP Laboratories
Classification: Pathogenic. Last evaluated: 2017-01-22. Review status: criteria provided, single submitter. Criteria: ARUP Molecular Germline Variant Investigation Process. Collection method: clinical testing. Allele origin: germline.

Literature cited by the submitters: PubMed 28098982 (cited by Variantyx, Inc.); PubMed 19344236 (cited by Variantyx, Inc. and Labcorp Genetics (formerly Invitae), Labcorp); PubMed 10745044 (cited by 3 submitters); PubMed 15895462 (cited by 3 submitters); PubMed 26626311 (cited by 3 submitters); PubMed 7695699 (cited by Labcorp Genetics (formerly Invitae), Labcorp); PubMed 8218237 (cited by Labcorp Genetics (formerly Invitae), Labcorp); PubMed 9016532 (cited by Labcorp Genetics (formerly Invitae), Labcorp); PubMed 17078022 (cited by Labcorp Genetics (formerly Invitae), Labcorp).

NM_001844.5(COL2A1):c.1537G>A (p.Gly513Ser)

Gene: COL2A1 (collagen type II alpha 1 chain; minus strand). Cytogenetic location: 12q13.11.
Variant type: single nucleotide variant.
Coding change: c.1537G>A on transcript NM_001844.5 (MANE Select); coding-DNA position 1537, G replaced by A.
Protein change: p.Gly513Ser; replaces glycine 513 with serine.
Molecular consequence: missense variant.
Genome position (GRCh38, 1-based): chr12:47,985,956, C>T on the plus strand (G>A on the coding strand, the complement: COL2A1 is on the minus strand). VCF-style: chr12-47985956-C-T. GRCh37 (hg19) VCF-style: chr12-48379739-C-T.
Other names: c.1330G>A, p.Gly444Ser (NM_033150.3); c.1537G>A (NM_001844.4); short protein forms G513S, G444S.
Identifiers: ClinVar variation 439509 (VCV000439509.57), dbSNP rs1555167156, ClinGen allele CA384552209.